The following is an entry in ClinVar:

ClinVar aggregate classification (germline): Uncertain significance (1 of 4 stars; one submission).

Conditions:
Frasier syndrome. Identifiers: Orphanet 347, MedGen C0950122, MeSH D052159, MONDO:0007635, OMIM 136680.
Drash syndrome (DDS). Also called: NEPHROPATHY, WILMS TUMOR, AND GENITAL ANOMALIES; WILMS TUMOR AND PSEUDO- OR TRUE HERMAPHRODITISM. Identifiers: Orphanet 220, MedGen C0950121, MONDO:0008682, OMIM 194080.
Wilms tumor 1 (WT1). Also called: Wilms tumor, somatic. Identifiers: Orphanet 654, MedGen CN033288, MONDO:0008679, OMIM 194070.
11p partial monosomy syndrome (WAGR). Also called: CHROMOSOME 11p13 DELETION SYNDROME; WAGR syndrome; WAGR Complex; WAGR Spectrum Disorder. Identifiers: Orphanet 893, MedGen C0206115, MONDO:0008681, OMIM 194072.

Submission:

Labcorp Genetics (formerly Invitae), Labcorp
Classification: Uncertain significance for Wilms tumor 1; Drash syndrome; 11p partial monosomy syndrome; Frasier syndrome. Last evaluated: 2023-09-04. Review status: criteria provided, single submitter. Criteria: Invitae Variant Classification Sherloc (09022015). Collection method: clinical testing. Allele origin: germline.
Comment: This sequence change creates a premature translational stop signal (p.Ala61Argfs*16) in the WT1 gene. It is unclear whether it will result in an absent or disrupted protein product because a major initiation site located at codon 69 has the potential to rescue this variant. This variant is not present in population databases (gnomAD no frequency). This variant has not been reported in the literature in individuals affected with WT1-related conditions. In summary, the available evidence is currently insufficient to determine the role of this variant in disease. Therefore, it has been classified as a Variant of Uncertain Significance. Downstream of the non-canonical translation start site (CTG) at codon 1, the nearest methionine codon that can be used to initiate translation of the WT1 protein lies at codon 69. This downstream in-frame ATG is known as a major initiation site (PMID: 28811308, 16987884, 8621495). The functional significance of the different WT1 protein isoforms is unknown (PMID: 8621495), however mice lacking the N-terminal 68 amino acids develop normally and are fertile (PMID: 12640141). Based on these results, the impact of this variant on WT1 protein function is uncertain.

Literature cited by the submitters: PubMed 28811308; PubMed 16987884; PubMed 8621495; PubMed 12640141.

NM_024426.6(WT1):c.196del (p.Ala66fs)

Genes: WT1 (WT1 transcription factor; minus strand), LOC107982234 (WT1/WT1-AS bi-directional promoter region; plus strand). Cytogenetic location: 11p13.
Variant type: Deletion.
Coding change: c.196del on transcript NM_024426.6 (MANE Select); coding-DNA position 196, one base deleted (G; older notation c.196delG).
Protein change: p.Ala66fs; shifts the reading frame from alanine 66.
Molecular consequence: frameshift variant. On other transcripts: non-coding transcript variant (2).
Genome position (GRCh38, 1-based): chr11:32,435,165, C deleted on the plus strand (G on the coding strand, the reverse complement: WT1 is on the minus strand); the first of 4 consecutive C bases (chr11:32,435,165-32,435,168); deleting any one gives the same sequence. VCF-style (leftmost placement, unchanged base first): chr11-32435164-GC-G. GRCh37 (hg19) VCF-style: chr11-32456710-GC-G.
Other names: c.196del, p.Ala66fs (NM_000378.6, NM_001407044.1, NM_001407045.1 and 6 more transcripts); c.178delG, p.Ala61Argfs (NM_024425.2); short protein forms A66fs.
Identifiers: ClinVar variation 2951591 (VCV002951591.3), dbSNP rs2494486834, ClinGen allele CA2612989664.